The following is an entry in ClinVar:

ClinVar aggregate classification (germline): Likely pathogenic (1 of 4 stars; one submission).

Conditions:
Atransferrinemia. Also called: Familial hypotransferrinemia. Identifiers: Orphanet 1195, MedGen C0521802, MONDO:0008846, OMIM 209300, HP:0012239.

Submission:

Myriad Genetics, Inc.
Classification: Likely pathogenic for Atransferrinemia. Last evaluated: 2026-08-05. Review status: criteria provided, single submitter. Criteria: Myriad Autosomal Dominant, Autosomal Recessive and X-Linked Classification Criteria (2023). Collection method: clinical testing. Allele origin: unknown.
Comment: NM_001063.3(TF):c.1049-1G>C is a variant in a canonical splice site classified as likely pathogenic in the context of atransferrinemia. c.1049-1G>C has not been observed in cases with relevant disease. Relevant functional assessments of this variant are not available in the literature. c.1049-1G>C has not been observed in referenced population frequency databases. In summary, NM_001063.3(TF):c.1049-1G>C is a variant in a canonical splice site in a gene where loss of function is a known mechanism of disease and is predicted to disrupt protein function. Please note: this variant was assessed in the context of healthy population screening.

NM_001063.4(TF):c.1049-1G>C

Gene: TF (transferrin; plus strand). Cytogenetic location: 3q22.1.
Variant type: single nucleotide variant.
Coding change: c.1049-1G>C on transcript NM_001063.4 (MANE Select); the canonical splice acceptor site of the intron before coding-DNA position 1049, G replaced by C.
Molecular consequence: splice acceptor variant.
Genome position (GRCh38, 1-based): chr3:133,759,174, G>C. VCF-style: chr3-133759174-G-C. GRCh37 (hg19) VCF-style: chr3-133478018-G-C.
Other names: c.917-1G>C (NM_001354703.2); c.668-1G>C (NM_001354704.2).
Identifiers: ClinVar variation 5004829 (VCV005004829.1).